The following is an entry in ClinVar:

ClinVar aggregate classification (germline): Uncertain significance. Review status: criteria provided, multiple submitters, no conflicts (2 of 4 stars). 4 submissions from 3 submitters: Uncertain significance (4). Last evaluated 2022-09-01.

Conditions:
GM1 gangliosidosis. Identifiers: Orphanet 354, MedGen C0085131, MONDO:0018149.
Inborn genetic diseases. Identifiers: MedGen C0950123, MeSH D030342.
Mucopolysaccharidosis, MPS-IV-B (MPS4B). Also called: Mucopolysaccharidosis type IV B; Mucopolysaccharidosis Type IVB (Morquio B Disease); Mucopolysaccharidosis type 4B; Mucopolysaccharidosis type IVB (Morquio); MPS IVB; Mucopolysaccharidosis Type IVB. Identifiers: Orphanet 309310, Orphanet 582, MedGen C0086652, MONDO:0009660, OMIM 253010.

Allele frequency attached by ClinVar (database versions not stated): gnomAD 0.00003; TOPMed 0.00005; gnomAD exomes 0.00006; ExAC 0.00007.
gnomAD v4.1: 45 of 1,612,424 alleles (0.0028%); highest among the groups gnomAD compares: Admixed American, 0.025%; no homozygotes.

Submissions (4):

Labcorp Genetics (formerly Invitae), Labcorp
Classification: Uncertain significance for Mucopolysaccharidosis, MPS-IV-B; GM1 gangliosidosis. Last evaluated: 2022-09-01. Review status: criteria provided, single submitter. Criteria: Invitae Variant Classification Sherloc (09022015). Collection method: clinical testing. Allele origin: germline.
Comment: This sequence change replaces proline, which is neutral and non-polar, with threonine, which is neutral and polar, at codon 2 of the GLB1 protein (p.Pro2Thr). This variant is present in population databases (rs772539129, gnomAD 0.05%). This variant has not been reported in the literature in individuals affected with GLB1-related conditions. ClinVar contains an entry for this variant (Variation ID: 344796). Advanced modeling of protein sequence and biophysical properties (such as structural, functional, and spatial information, amino acid conservation, physicochemical variation, residue mobility, and thermodynamic stability) performed at Invitae indicates that this missense variant is not expected to disrupt GLB1 protein function. In summary, the available evidence is currently insufficient to determine the role of this variant in disease. Therefore, it has been classified as a Variant of Uncertain Significance.

Ambry Genetics
Classification: Uncertain significance for Inborn genetic diseases. Last evaluated: 2021-09-05. Review status: criteria provided, single submitter. Criteria: Ambry Variant Classification Scheme 2023. Collection method: clinical testing. Allele origin: germline.

Illumina Laboratory Services, Illumina
Classification: Uncertain significance for GM1 gangliosidosis. Last evaluated: 2018-01-13. Review status: criteria provided, single submitter. Criteria: ICSL Variant Classification Criteria 13 December 2019. Collection method: clinical testing. Allele origin: germline.

Illumina Laboratory Services, Illumina
Classification: Uncertain significance for Mucopolysaccharidosis, MPS-IV-B. Last evaluated: 2018-01-13. Review status: criteria provided, single submitter. Criteria: ICSL Variant Classification Criteria 13 December 2019. Collection method: clinical testing. Allele origin: germline.

NM_000404.4(GLB1):c.4C>A (p.Pro2Thr)

Genes: GLB1 (galactosidase beta 1; minus strand), TMPPE (transmembrane protein with metallophosphoesterase domain; minus strand), LOC129936434 (ATAC-STARR-seq lymphoblastoid silent region 14182; plus strand). Cytogenetic location: 3p22.3.
Variant type: single nucleotide variant.
Coding change: c.4C>A on transcript NM_000404.4 (MANE Select); coding-DNA position 4, C replaced by A.
Protein change: p.Pro2Thr; replaces proline 2 with threonine.
Molecular consequence: missense variant. On other transcripts: 5 prime UTR variant (2).
Genome position (GRCh38, 1-based): chr3:33,097,082, G>T on the plus strand (C>A on the coding strand, the complement: GLB1 is on the minus strand). VCF-style: chr3-33097082-G-T. GRCh37 (hg19) VCF-style: chr3-33138574-G-T.
Other names: c.4C>A, p.Pro2Thr (NM_001135602.3, NM_001317040.2, NM_001393580.1); c.-472C>A (NM_001039770.3); c.-368C>A (NM_001136238.2); short protein forms P2T.
Identifiers: ClinVar variation 344796 (VCV000344796.7), dbSNP rs772539129, ClinGen allele CA2300147.
Genomic context (GRCh38, chr3:33,097,082, plus strand): 5'-GCGTAGGGCCCAGAAGCAGCAGAACCAGCAACAGAGGGAGGATGCGAACCAGGAACCCCG[G>T]CATGACCACCAGCCTCCCGGCTCTGCAGTCGGCGCCCAGGCCGGCCGCTTCGCGTCACTT-3'
Protein context (NP_000395.3, residues 1-12): M[Pro2Thr]GFLVRILPLL